The following is an entry in ClinVar:

NM_001024630.4(RUNX2):c.411del (p.Val138fs)

Gene: RUNX2 (RUNX family transcription factor 2; plus strand). Cytogenetic location: 6p21.1.
Variant type: Deletion.
Coding change: c.411del on transcript NM_001024630.4 (MANE Select); coding-DNA position 411, one base deleted (C; older notation c.411delC).
Protein change: p.Val138fs; shifts the reading frame from valine 138.
Molecular consequence: frameshift variant.
Genome position (GRCh38, 1-based): chr6:45,422,945, C deleted; the last of 3 consecutive C bases (chr6:45,422,943-45,422,945); deleting any one gives the same sequence. VCF-style (leftmost placement, unchanged base first): chr6-45422942-GC-G. GRCh37 (hg19) VCF-style: chr6-45390679-GC-G.
Other names: c.411del, p.Val138fs (NM_001015051.4); c.369del, p.Val124fs (NM_001278478.2, NM_001369405.1); c.369delC, p.Val124Trpfs (NM_004348.3); short protein forms V124fs, V138fs.
Identifiers: ClinVar variation 2021024 (VCV002021024.4), dbSNP rs2548582244, ClinGen allele CA2580074694.
Genomic context (GRCh38, chr6:45,422,942, plus strand): 5'-CGACAGCCCCAACTTCCTGTGCTCGGTGCTGCCCTCGCACTGGCGCTGCAACAAGACCCT[GC>G]CCGTGGCCTTCAAGGTAAGAGGCTACACCGCCCCCCGCCCCCGGCCGGGAGCGGCGGAAC-3'

ClinVar aggregate classification (germline): Pathogenic (1 of 4 stars; one submission).

Submission:

Labcorp Genetics (formerly Invitae), Labcorp
Classification: Pathogenic. Last evaluated: 2022-08-30. Review status: criteria provided, single submitter. Criteria: Invitae Variant Classification Sherloc (09022015). Collection method: clinical testing. Allele origin: germline.
Comment: For these reasons, this variant has been classified as Pathogenic. This variant has not been reported in the literature in individuals affected with RUNX2-related conditions. This variant is not present in population databases (gnomAD no frequency). This sequence change creates a premature translational stop signal (p.Val138Trpfs*6) in the RUNX2 gene. It is expected to result in an absent or disrupted protein product. Loss-of-function variants in RUNX2 are known to be pathogenic (PMID: 10521292, 11857736).

Literature cited by the submitters: PubMed 10521292; PubMed 11857736.